The following is an entry in ClinVar:

ClinVar aggregate classification (germline): Pathogenic (1 of 4 stars; one submission).

Conditions:
Neurofibromatosis, type 1 (NF1). Also called: VON RECKLINGHAUSEN DISEASE; NEUROFIBROMATOSIS, TYPE I, SOMATIC; Neurofibromatosis, type I; Peripheral type neurofibromatosis. Identifiers: Orphanet 636, MedGen C0027831, MONDO:0018975, OMIM 162200. Disease mechanism: loss of function.

Submission:

Labcorp Genetics (formerly Invitae), Labcorp
Classification: Pathogenic for Neurofibromatosis, type 1. Last evaluated: 2022-09-28. Review status: criteria provided, single submitter. Criteria: Invitae Variant Classification Sherloc (09022015). Collection method: clinical testing. Allele origin: germline.
Comment: This sequence change creates a premature translational stop signal (p.Ile322Metfs*54) in the NF1 gene. It is expected to result in an absent or disrupted protein product. Loss-of-function variants in NF1 are known to be pathogenic (PMID: 10712197, 23913538). For these reasons, this variant has been classified as Pathogenic. This variant has not been reported in the literature in individuals affected with NF1-related conditions. This variant is not present in population databases (gnomAD no frequency).

Literature cited by the submitters: PubMed 10712197; PubMed 23913538.

NM_001042492.3(NF1):c.966del (p.Ile322fs)

Gene: NF1 (neurofibromin 1; plus strand). Cytogenetic location: 17q11.2.
Variant type: Deletion.
Coding change: c.966del on transcript NM_001042492.3 (MANE Select); coding-DNA position 966, one base deleted (T; older notation c.966delT).
Protein change: p.Ile322fs; shifts the reading frame from isoleucine 322.
Molecular consequence: frameshift variant.
Genome position (GRCh38, 1-based): chr17:31,200,499, T deleted; the last of 2 consecutive T bases (chr17:31,200,498-31,200,499); deleting either gives the same sequence. VCF-style (leftmost placement, unchanged base first): chr17-31200497-AT-A. GRCh37 (hg19) VCF-style: chr17-29527515-AT-A.
Other names: c.966del, p.Ile322fs (NM_001128147.3); c.966delT, p.Ile322Metfs (NM_000267.4); short protein forms I322fs.
Identifiers: ClinVar variation 2033157 (VCV002033157.4), dbSNP rs2544793822, ClinGen allele CA2580092821.